The following is an entry in ClinVar:

NM_001081.4(CUBN):c.3356T>C (p.Leu1119Ser)

Gene: CUBN (cubilin; minus strand). Cytogenetic location: 10p13.
Variant type: single nucleotide variant.
Coding change: c.3356T>C on transcript NM_001081.4 (MANE Select); coding-DNA position 3356, T replaced by C.
Protein change: p.Leu1119Ser; replaces leucine 1119 with serine.
Molecular consequence: missense variant.
Genome position (GRCh38, 1-based): chr10:17,046,068, A>G on the plus strand (T>C on the coding strand, the complement: CUBN is on the minus strand). VCF-style: chr10-17046068-A-G. GRCh37 (hg19) VCF-style: chr10-17088067-A-G.
Other names: short protein forms L1119S.
Identifiers: ClinVar variation 299491 (VCV000299491.29), dbSNP rs141164907, ClinGen allele CA5424685.

ClinVar aggregate classification (germline): Conflicting classifications of pathogenicity. Review status: criteria provided, conflicting classifications (1 of 4 stars). 7 submissions from 7 submitters: Uncertain significance (4); Likely benign (2). 1 of the submissions does not count toward it. Last evaluated 2025-10-02.

Conditions:
CUBN-related disorder. Also called: CUBN-related condition.
Imerslund-Grasbeck syndrome type 1 (IGS1). Also called: Megaloblastic anemia 1, Finnish type; MEGALOBLASTIC ANEMIA, 1; Imerslund-Gräsbeck syndrome 1. Identifiers: MedGen C4016819, MONDO:0100156, OMIM 261100.
Imerslund-Grasbeck syndrome. Also called: ENTEROCYTE COBALAMIN MALABSORPTION; ENTEROCYTE INTRINSIC FACTOR RECEPTOR, DEFECT OF; Imerslund-Gräsbeck syndrome; PERNICIOUS ANEMIA, JUVENILE, DUE TO SELECTIVE INTESTINAL MALABSORPTION OF VITAMIN B12, WITH PROTEINURIA; Megaloblastic anemia due to inborn errors of metabolism. Identifiers: Orphanet 35858, MedGen C4551825, MONDO:0009853.

Allele frequency attached by ClinVar (database versions not stated): 1000 Genomes Project 0.00060; 1000 Genomes Project 30x 0.00078; gnomAD 0.00086 and 0.00089; TOPMed 0.00102; gnomAD exomes 0.00125 and 0.00147; ExAC 0.00137; ESP Exome Variant Server 0.00177.
gnomAD v4.1: 2,253 of 1,613,808 alleles (0.14%); highest among the groups gnomAD compares: Non-Finnish European, 0.17%; 6 homozygotes.

Submissions (7):

Labcorp Genetics (formerly Invitae), Labcorp
Classification: Likely benign for Imerslund-Grasbeck syndrome. Last evaluated: 2025-10-02. Review status: criteria provided, single submitter. Criteria: Invitae Variant Classification Sherloc (09022015). Collection method: clinical testing. Allele origin: germline.

Blueprint Genetics
Classification: Likely benign. Last evaluated: 2024-11-18. Review status: criteria provided, single submitter. Criteria: ACMG Guidelines, 2015. Collection method: clinical testing. Allele origin: germline.

ARUP Laboratories, Molecular Genetics and Genomics, ARUP Laboratories
Classification: Uncertain significance. Last evaluated: 2024-07-03. Review status: criteria provided, single submitter. Criteria: ARUP Molecular Germline Variant Investigation Process 2024. Collection method: clinical testing. Allele origin: germline.
Comment: The CUBN c.3356T>C; p.Leu1119Ser variant (rs141164907), to our knowledge, is not reported in individuals with CUBN-related conditions but is reported in ClinVar (Variation ID: 299491). This variant is found in the general population with an overall allele frequency of 0.12% (350/282628 alleles) in the Genome Aggregation Database (v2.1.1). Computational analyses are uncertain whether this variant is neutral or deleterious (REVEL: 0.178). Due to limited information, the clinical significance of this variant is uncertain at this time.

GeneDx
Classification: Uncertain significance. Last evaluated: 2024-06-25. Review status: criteria provided, single submitter. Criteria: GeneDx Variant Classification Process June 2021. Collection method: clinical testing. Allele origin: germline. Affected: yes.
Comment: In silico analysis supports that this missense variant has a deleterious effect on protein structure/function; Has not been previously reported as pathogenic or benign in association with CUBN-related disorders to our knowledge; This variant is associated with the following publications: (PMID: 33111339, 36890159)

Clinical Genomics Laboratory, Washington University in St. Louis
Classification: Uncertain significance for Imerslund-Grasbeck syndrome type 1. Last evaluated: 2024-04-03. Review status: criteria provided, single submitter. Criteria: ACMG Guidelines, 2015. Collection method: clinical testing. Allele origin: germline.
Comment: A CUBN c.3356T>C (pLeu1119Ser) variant was identified. To our knowledge, this variant has not been described in the literature, but has been reported in the ClinVar database as a germline variant of uncertain significance by three submitters and likely benign by one submitter (ClinVar ID: 299491). It is observed on 350/282,628 alleles in the general population (gnomAD v.2.1.1). This variant resides within the IF-B12 binding site of the CUB5 domain that is defined as a critical functional domain (Domingo-Gallego A et al., PMID: 34610128, Kristiansen M et al., PMID: 10400683, Andersen CB et al., PMID: 20237569). Computational predictors suggest that the variant does not impact CUBN function. Due to limited information, and based on ACMG/AMP guidelines for variant interpretation (Richards S et al., PMID: 25741868), the clinical significance of this variant is uncertain at this time.

Illumina Laboratory Services, Illumina
Classification: Uncertain significance for Imerslund-Grasbeck syndrome type 1. Last evaluated: 2018-01-12. Review status: criteria provided, single submitter. Criteria: ICSL Variant Classification Criteria 13 December 2019. Collection method: clinical testing. Allele origin: germline.

PreventionGenetics, part of Exact Sciences
Classification: Uncertain significance for CUBN-related condition. Last evaluated: 2024-08-12. Review status: no assertion criteria provided. Collection method: clinical testing. Allele origin: germline. Not counted in ClinVar's aggregate classification.
Comment: The CUBN c.3356T>C variant is predicted to result in the amino acid substitution p.Leu1119Ser. This variant was reported in an individual undergoing testing for dyslipidemia (Supp. Table 6, Marmontel et al. 2020. PubMed ID: 33111339). This variant is reported in 0.20% of alleles in individuals of European (Non-Finnish) descent in gnomAD, which may be too common to be a primary cause of disease. Although we suspect that this variant may be benign, at this time, the clinical significance of this variant is uncertain due to the absence of conclusive functional and genetic evidence.